The following is an entry in ClinVar:

NM_000169.3(GLA):c.456C>A (p.Tyr152Ter)

Genes: GLA (galactosidase alpha; minus strand), RPL36A-HNRNPH2 (RPL36A-HNRNPH2 readthrough; plus strand). Cytogenetic location: Xq22.1.
Variant type: single nucleotide variant.
Coding change: c.456C>A on transcript NM_000169.3 (MANE Select); coding-DNA position 456, C replaced by A.
Protein change: p.Tyr152Ter; replaces tyrosine 152 with a stop codon.
Molecular consequence: nonsense. On other transcripts: non-coding transcript variant (3), intron variant (2).
Genome position (GRCh38, 1-based): chrX:101,401,723, G>T on the plus strand (C>A on the coding strand, the complement: GLA is on the minus strand). VCF-style: chrX-101401723-G-T. GRCh37 (hg19) VCF-style: chrX-100656711-G-T.
Other names: c.579C>A, p.Tyr193Ter (NM_001406747.1, NM_001406749.1); c.456C>A, p.Tyr152Ter (NM_001406748.1); c.300+6266G>T (NM_001199973.2); c.177+9901G>T (NM_001199974.2); short protein forms Y152*, Y193*.
Identifiers: ClinVar variation 453317 (VCV000453317.18), dbSNP rs1555985827, ClinGen allele CA413929648.

ClinVar aggregate classification (germline): Pathogenic. Review status: criteria provided, multiple submitters, no conflicts (2 of 4 stars). 5 submissions from 5 submitters: Pathogenic (5). Last evaluated 2026-09-08.

Conditions:
Fabry disease. Also called: Fabry's disease; Angiokeratoma corporis diffusum; GLA DEFICIENCY; HEREDITARY DYSTOPIC LIPIDOSIS; ALPHA-GALACTOSIDASE A DEFICIENCY; ANDERSON-FABRY DISEASE. Identifiers: Orphanet 324, MedGen C0002986, MONDO:0010526, OMIM 301500, HP:0001071. Disease mechanism: loss of function, Fabry disease is due to inactivating mutations in the X-linked GLA gene resulting in deficiency of the enzyme Alpha Galactosidase-A..

Submissions (5):

Genomenon, Inc
Classification: Pathogenic for Fabry disease. Last evaluated: 2026-09-08. Review status: criteria provided, single submitter. Criteria: Genomenon Sequence Variant Interpretation Standards - Updated. Collection method: curation. Allele origin: germline. Affected: yes.
Comment: GLA p.Tyr152Ter (c.456C>A) is a nonsense variant that introduces a premature stop codon at amino acid position 152 and is predicted to result in a truncated or absent protein product. This variant has been observed in at least one proband with clinical features consistent with Fabry disease (PMID:29274327;16148726;12175777;29305833;16595074). A de novo occurrence of this variant has been observed in at least one affected individual (PMID:16595074). Functional or patient cell studies have been reported (PMID:16595074;29274327). It is absent or not present at a significant frequency in gnomAD. In conclusion, we classify GLA p.Tyr152Ter (c.456C>A) as a pathogenic variant.

Labcorp Genetics (formerly Invitae), Labcorp
Classification: Pathogenic for Fabry disease. Last evaluated: 2025-08-31. Review status: criteria provided, single submitter. Criteria: Invitae Variant Classification Sherloc (09022015). Collection method: clinical testing. Allele origin: germline.
Comment: This sequence change creates a premature translational stop signal (p.Tyr152*) in the GLA gene. It is expected to result in an absent or disrupted protein product. Loss-of-function variants in GLA are known to be pathogenic (PMID: 10666480, 12175777). This variant is not present in population databases (gnomAD no frequency). This premature translational stop signal has been observed in individual(s) with Fabry disease (PMID: 16595074, 24582695). ClinVar contains an entry for this variant (Variation ID: 453317). Algorithms developed to predict the effect of sequence changes on RNA splicing suggest that this variant may disrupt the consensus splice site. For these reasons, this variant has been classified as Pathogenic.

Revvity Omics, Revvity
Classification: Pathogenic. Last evaluated: 2023-10-20. Review status: criteria provided, single submitter. Criteria: ACMG Guidelines, 2015. Collection method: clinical testing. Allele origin: germline.

Genome-Nilou Lab
Classification: Pathogenic for Fabry disease. Last evaluated: 2021-07-15. Review status: criteria provided, single submitter. Criteria: ACMG Guidelines, 2015. Collection method: clinical testing. Allele origin: germline. Affected: no.

Eurofins Ntd Llc (ga)
Classification: Pathogenic. Last evaluated: 2017-05-15. Review status: criteria provided, single submitter. Criteria: EGL Classification Definitions 2015. Collection method: clinical testing. Allele origin: germline. Observed: 1 variant allele, 1 heterozygote.

Literature cited by the submitters: PubMed 29274327 (cited by Genomenon, Inc); PubMed 16148726 (cited by Genomenon, Inc); PubMed 12175777 (cited by 3 submitters); PubMed 29305833 (cited by Genomenon, Inc); PubMed 16595074 (cited by Genomenon, Inc and Labcorp Genetics (formerly Invitae), Labcorp); PubMed 10666480 (cited by Labcorp Genetics (formerly Invitae), Labcorp); PubMed 24582695 (cited by Labcorp Genetics (formerly Invitae), Labcorp and Eurofins Ntd Llc (ga)).